The following is an entry in ClinVar:

NM_001103146.3(GIGYF2):c.3188G>A (p.Ser1063Asn)

Gene: GIGYF2 (GRB10 interacting GYF protein 2; plus strand). Cytogenetic location: 2q37.1.
Variant type: single nucleotide variant.
Coding change: c.3188G>A on transcript NM_001103146.3 (MANE Select); coding-DNA position 3188, G replaced by A.
Protein change: p.Ser1063Asn; replaces serine 1063 with asparagine.
Molecular consequence: missense variant. On other transcripts: non-coding transcript variant (1).
Genome position (GRCh38, 1-based): chr2:232,844,457, G>A. VCF-style: chr2-232844457-G-A. GRCh37 (hg19) VCF-style: chr2-233709167-G-A.
Other names: p.Ser1063Asn; c.3251G>A, p.Ser1084Asn (NM_001103147.2); c.3170G>A, p.Ser1057Asn (NM_001103148.2); c.3188G>A, p.Ser1063Asn (NM_015575.4); short protein forms S1057N, S1063N, S1084N.
Identifiers: ClinVar variation 4684663 (VCV004684663.1).

ClinVar aggregate classification (germline): Likely benign (1 of 4 stars; one submission).

gnomAD v4.1: 24 of 1,612,500 alleles (0.0015%); highest among the groups gnomAD compares: African/African-American, 0.0027%; no homozygotes.

Submission:

Mayo Clinic Laboratories, Mayo Clinic
Classification: Likely benign. Last evaluated: 2025-06-27. Review status: criteria provided, single submitter. Criteria: ACMG Guidelines, 2015. Collection method: clinical testing. Allele origin: germline. Observed: 1 variant allele.
Comment: BS2, BP4_moderate